The following is an entry in ClinVar:

NM_000535.7(PMS2):c.1144+2T>G

Gene: PMS2 (PMS1 homolog 2, mismatch repair system component; minus strand). Cytogenetic location: 7p22.1.
Variant type: single nucleotide variant.
Coding change: c.1144+2T>G on transcript NM_000535.7 (MANE Select); the canonical splice donor site of the intron after coding-DNA position 1144, T replaced by G.
Molecular consequence: splice donor variant. On other transcripts: intron variant (10).
Genome position (GRCh38, 1-based): chr7:5,989,798, A>C on the plus strand (T>G on the coding strand, the complement: PMS2 is on the minus strand). VCF-style: chr7-5989798-A-C. GRCh37 (hg19) VCF-style: chr7-6029429-A-C.
Other names: c.826+2T>G (NM_001322008.2, NM_001406883.1, NM_001406903.1 and 2 more transcripts); c.835+2T>G (NM_001406881.1, NM_001406879.1, NM_001322015.2 and 5 more transcripts); c.739+2T>G (NM_001406895.1, NM_001322004.2, NM_001406889.1 and 16 more transcripts); c.373+2T>G (NM_001406911.1); c.583+2175T>G (NM_001322010.2, NM_001406906.1, NM_001406907.1); c.670+2175T>G (NM_001406902.1, NM_001406901.1); c.631+2T>G (NM_001406904.1, NM_001406905.1); c.571+2T>G (NM_001322013.2, NM_001406909.1); and 13 more.
Identifiers: ClinVar variation 2584290 (VCV002584290.7), dbSNP rs267608158, ClinGen allele CA366742713.

ClinVar aggregate classification (germline): Pathogenic/Likely pathogenic. Review status: criteria provided, multiple submitters, no conflicts (2 of 4 stars). 3 submissions from 3 submitters: Pathogenic (1); Likely pathogenic (2). Last evaluated 2026-08-04.

Conditions:
Hereditary nonpolyposis colorectal neoplasms. Identifiers: MedGen C0009405, MeSH D003123.
Lynch syndrome 4 (LYNCH4). Also called: Colorectal cancer, hereditary nonpolyposis, type 4; Hereditary non-polyposis colorectal cancer, type 4. Identifiers: Orphanet 144, MedGen C1838333, MONDO:0013699, OMIM 614337. Disease mechanism: loss of function.
Hereditary cancer-predisposing syndrome. Also called: Hereditary neoplastic syndrome; Hereditary Cancer Syndrome; Neoplastic Syndromes, Hereditary; Tumor predisposition. Identifiers: Orphanet 140162, MedGen C0027672, MeSH D009386, MONDO:0015356.

Submissions (3):

Ambry Genetics
Classification: Likely pathogenic for Hereditary cancer-predisposing syndrome. Last evaluated: 2026-08-04. Review status: criteria provided, single submitter. Criteria: Ambry Variant Classification Scheme 2023. Collection method: clinical testing. Allele origin: germline.
Comment: The c.1144+2T>G intronic variant results from a T to G substitution two nucleotides after coding exon 10 in the PMS2 gene. This nucleotide position is highly conserved in available vertebrate species. In silico splice site analysis predicts that this alteration will weaken the native splice donor site. RNA studies have demonstrated that this alteration results in abnormal splicing in the set of samples tested (Ambry internal data). This variant is considered to be rare based on population cohorts in the Genome Aggregation Database (gnomAD). Based on the majority of available evidence to date, this variant is likely to be pathogenic.

Myriad Genetics, Inc.
Classification: Likely pathogenic for Lynch syndrome 4. Last evaluated: 2023-06-14. Review status: criteria provided, single submitter. Criteria: Myriad Autosomal Dominant, Autosomal Recessive and X-Linked Classification Criteria (2023). Collection method: clinical testing. Allele origin: unknown.
Comment: This variant is considered likely pathogenic. This variant occurs within a consensus splice junction and is predicted to result in abnormal mRNA splicing of either an out-of-frame exon or an in-frame exon necessary for protein stability and/or normal function.

Labcorp Genetics (formerly Invitae), Labcorp
Classification: Pathogenic for Hereditary nonpolyposis colorectal neoplasms. Last evaluated: 2023-05-18. Review status: criteria provided, single submitter. Criteria: Invitae Variant Classification Sherloc (09022015). Collection method: clinical testing. Allele origin: germline.
Comment: Studies have shown that disruption of this splice site results in skipping of exon 10, but is expected to preserve the integrity of the reading-frame (Invitae). For these reasons, this variant has been classified as Pathogenic. Other variant(s) that result in the loss of exon 10 have been determined to be pathogenic (PMID: 16472587, 18602922, 22577899, 23837913, 26318770). This suggests that this variant may also be clinically significant and likely to be disease-causing. Disruption of this splice site has been observed in individual(s) with colorectal cancer (PMID: 30521064). This variant is not present in population databases (gnomAD no frequency). This sequence change affects a donor splice site in intron 10 of the PMS2 gene. RNA analysis indicates that disruption of this splice site induces altered splicing and likely results in a shortened protein product.

Literature cited by the submitters: PubMed 16472587 (cited by Labcorp Genetics (formerly Invitae), Labcorp); PubMed 18602922 (cited by Labcorp Genetics (formerly Invitae), Labcorp); PubMed 22577899 (cited by Labcorp Genetics (formerly Invitae), Labcorp); PubMed 23837913 (cited by Labcorp Genetics (formerly Invitae), Labcorp); PubMed 26318770 (cited by Labcorp Genetics (formerly Invitae), Labcorp); PubMed 30521064 (cited by Labcorp Genetics (formerly Invitae), Labcorp).